The following is an entry in ClinVar:

ClinVar aggregate classification (germline): Conflicting classifications of pathogenicity. Review status: criteria provided, conflicting classifications (1 of 4 stars). 4 submissions from 4 submitters: Uncertain significance (3); Likely benign (1). Last evaluated 2026-01-25.

Conditions:
Inborn genetic diseases. Identifiers: MedGen C0950123, MeSH D030342.

Allele frequency attached by ClinVar (database versions not stated): 1000 Genomes Project 30x 0.00031; gnomAD exomes 0.00035; gnomAD 0.00004 and 0.00005; TOPMed 0.00016; 1000 Genomes Project 0.00020; ExAC 0.00028.

Submissions (4):

Labcorp Genetics (formerly Invitae), Labcorp
Classification: Likely benign. Last evaluated: 2026-01-25. Review status: criteria provided, single submitter. Criteria: Invitae Variant Classification Sherloc (09022015). Collection method: clinical testing. Allele origin: germline.

Women's Health and Genetics/Laboratory Corporation of America, LabCorp
Classification: Uncertain significance. Last evaluated: 2025-05-20. Review status: criteria provided, single submitter. Criteria: LabCorp Variant Classification Summary - May 2015. Collection method: clinical testing. Allele origin: germline.
Comment: Variant summary: FKBP10 c.44C>G (p.Pro15Arg) results in a non-conservative amino acid change in the encoded protein sequence. Algorithms developed to predict the effect of missense changes on protein structure and function are either unavailable or do not agree on the potential impact of this missense change. The variant allele was found at a frequency of 0.00035 in 241140 control chromosomes (gnomAD). This frequency is not significantly higher than estimated for a pathogenic variant in FKBP10 causing Osteogenesis Imperfecta (0.00035 vs 0.0011), allowing no conclusion about variant significance. To our knowledge, no occurrence of c.44C>G in individuals affected with Osteogenesis Imperfecta and no experimental evidence demonstrating its impact on protein function have been reported. ClinVar contains an entry for this variant (Variation ID: 218789). Based on the evidence outlined above, the variant was classified as uncertain significance.

Ambry Genetics
Classification: Uncertain significance for Inborn genetic diseases. Last evaluated: 2024-01-23. Review status: criteria provided, single submitter. Criteria: Ambry Variant Classification Scheme 2023. Collection method: clinical testing. Allele origin: germline.

Genomic Diagnostic Laboratory, Division of Genomic Diagnostics, Children's Hospital of Philadelphia
Classification: Uncertain significance. Last evaluated: 2015-07-01. Review status: criteria provided, single submitter. Criteria: DGD Variant Analysis Guidelines. Collection method: clinical testing. Allele origin: unknown.

NM_021939.4(FKBP10):c.44C>G (p.Pro15Arg)

Gene: FKBP10 (FKBP prolyl isomerase 10; plus strand). Cytogenetic location: 17q21.2.
Variant type: single nucleotide variant.
Coding change: c.44C>G on transcript NM_021939.4 (MANE Select); coding-DNA position 44, C replaced by G.
Protein change: p.Pro15Arg; replaces proline 15 with arginine.
Molecular consequence: missense variant.
Genome position (GRCh38, 1-based): chr17:41,813,078, C>G. VCF-style: chr17-41813078-C-G. GRCh37 (hg19) VCF-style: chr17-39969330-C-G.
Other names: short protein forms P15R.
Identifiers: ClinVar variation 218789 (VCV000218789.12), dbSNP rs572425083, ClinGen allele CA248929.